The following is an entry in ClinVar:

NM_003659.4(AGPS):c.*377C>T

Gene: AGPS (alkylglycerone phosphate synthase; plus strand). Cytogenetic location: 2q31.2.
Variant type: single nucleotide variant.
Coding change: c.*377C>T on transcript NM_003659.4 (MANE Select); 377 bases downstream of the stop codon, C replaced by T.
Molecular consequence: 3 prime UTR variant.
Genome position (GRCh38, 1-based): chr2:177,538,572, C>T. VCF-style: chr2-177538572-C-T. GRCh37 (hg19) VCF-style: chr2-178403300-C-T.
Identifiers: ClinVar variation 893939 (VCV000893939.4), dbSNP rs112754713, ClinGen allele CA60903399.
Genomic context (GRCh38, chr2:177,538,572, plus strand): 5'-TTGGGGAACAAAGACAGATTTGGTATCATTGATTGCTCAGCTAGCCTCTTTTTAAAAGAA[C>T]GTTTCTGGGAATCAGATGTCTAGGGAAGGATTCCACTGAGGAGTGATACACGTGTACATT-3'

ClinVar aggregate classification (germline): Benign (1 of 4 stars; one submission).

Conditions:
Rhizomelic chondrodysplasia punctata type 3 (RCDP3). Also called: Alkylglycerone Phosphate Synthase (AGPS) deficiency; ALKYLDIHYDROXYACETONEPHOSPHATE SYNTHASE DEFICIENCY. Identifiers: Orphanet 177, Orphanet 309803, MedGen C1838612, MONDO:0010823, OMIM 600121. Disease mechanism: loss of function.

Allele frequency attached by ClinVar (database versions not stated): 1000 Genomes Project 0.00499; 1000 Genomes Project 30x 0.00515.
gnomAD v4.1: 529 of 293,554 alleles (0.18%); highest among the groups gnomAD compares: African/African-American, 1.1%; 5 homozygotes.

Submission:

Illumina Laboratory Services, Illumina
Classification: Benign for Rhizomelic chondrodysplasia punctata type 3. Last evaluated: 2017-04-27. Review status: criteria provided, single submitter. Criteria: ICSL Variant Classification Criteria 13 December 2019. Collection method: clinical testing. Allele origin: germline.
Comment: This variant was observed as part of a predisposition screen in an ostensibly healthy population. A literature search was performed for the gene, cDNA change, and amino acid change (where applicable). No publications were found based on this search. Allele frequency data from public databases was too high to be consistent with this variant causing disease. Therefore, this variant is classified as benign.